The following is an entry in ClinVar:

ClinVar aggregate classification (germline): Pathogenic/Likely pathogenic. Review status: criteria provided, multiple submitters, no conflicts (2 of 4 stars). 10 submissions from 10 submitters: Pathogenic (6); Likely pathogenic (3). 1 of the submissions does not count toward it. Last evaluated 2026-05-01.

Conditions:
GCDH-related disorder. Also called: GCDH-related condition.
Glutaric aciduria, type 1. Also called: GA I; Glutaryl-CoA dehydrogenase deficiency; Glutaricacidemia Type 1; Glutaric acidemia type I; Glutaricaciduria, type I; Glutaric Acidemia Type 1. Identifiers: Orphanet 25, MedGen C0268595, MONDO:0009281, OMIM 231670.

Allele frequency attached by ClinVar (database versions not stated): ExAC 0.00006; gnomAD exomes 0.00008 and 0.00029; TOPMed 0.00011; gnomAD 0.00015 and 0.00018; ESP Exome Variant Server 0.00038.

Submissions (10):

CeGaT Center for Human Genetics Tuebingen
Classification: Pathogenic. Last evaluated: 2026-05-01. Review status: criteria provided, single submitter. Criteria: CeGaT Center For Human Genetics Tuebingen Variant Classification Criteria Version 2. Collection method: clinical testing. Allele origin: germline. Affected: yes. Observed: 1 variant allele.
Comment: GCDH: PM3:Very Strong, PM2, PM5, PS3:Supporting

Labcorp Genetics (formerly Invitae), Labcorp
Classification: Pathogenic for Glutaric aciduria, type 1. Last evaluated: 2026-01-28. Review status: criteria provided, single submitter. Criteria: Invitae Variant Classification Sherloc (09022015). Collection method: clinical testing. Allele origin: germline.
Comment: This sequence change replaces methionine, which is neutral and non-polar, with threonine, which is neutral and polar, at codon 191 of the GCDH protein (p.Met191Thr). This variant is present in population databases (rs149120354, gnomAD 0.02%). This missense change has been observed in individual(s) with GCDH enzymatic activity <0.5% of wild-type, findings that are highly specific for glutaric aciduria type I (PMID: 9600243). ClinVar contains an entry for this variant (Variation ID: 198396). Invitae Evidence Modeling of protein sequence and biophysical properties (such as structural, functional, and spatial information, amino acid conservation, physicochemical variation, residue mobility, and thermodynamic stability) indicates that this missense variant is expected to disrupt GCDH protein function with a positive predictive value of 80%. For these reasons, this variant has been classified as Pathogenic.

Natera, Inc.
Classification: Pathogenic for Glutaric acidemia type 1. Last evaluated: 2025-07-23. Review status: criteria provided, single submitter. Criteria: Natera Variant Classification Schema (03/2026). Collection method: clinical testing. Allele origin: germline.
Comment: The c.572T>C variant in GCDH is a missense variant predicted to cause substitution of methionine to threonine at amino acid 191. This variant is rare in the general population with a frequency below the threshold expected for the associated phenotype(s). This variant has been observed in one or more individuals affected with the associated recessive disease, as either homozygous or compound heterozygous with a second variant (PMID: 9600243, 15505393, 29034175, 28411331). Computational prediction algorithms indicate this variant is likely to affect gene or protein function. Given the available evidence, this variant is classified as Pathogenic.

Women's Health and Genetics/Laboratory Corporation of America, LabCorp
Classification: Pathogenic for Glutaric aciduria, type 1. Last evaluated: 2025-07-02. Review status: criteria provided, single submitter. Criteria: LabCorp Variant Classification Summary - May 2015. Collection method: clinical testing. Allele origin: germline.
Comment: Variant summary: GCDH c.572T>C (p.Met191Thr) results in a non-conservative amino acid change located in the Acyl-CoA oxidase/dehydrogenase, central domain of the encoded protein sequence. Algorithms developed to predict the effect of missense changes on protein structure and function all suggest that this variant is likely to be disruptive. The variant allele was found at a frequency of 8e-05 in 251460 control chromosomes. This frequency is not significantly higher than estimated for a pathogenic variant in GCDH causing Glutaric Acidemia Type 1 (8e-05 vs 0.0035), allowing no conclusion about variant significance. c.572T>C has been observed in multiple individuals affected with Glutaric Acidemia Type 1 (Christensen_2004, Kaya Ozcora_2017). These data indicate that the variant is very likely to be associated with disease. At least one publication reports experimental evidence evaluating an impact on protein function (Christensen_2004). The most pronounced variant effect results in <10% of normal activity. The following publications have been ascertained in the context of this evaluation (PMID: 15505393, 28411331). ClinVar contains an entry for this variant (Variation ID: 198396). Based on the evidence outlined above, the variant was classified as pathogenic.

Mayo Clinic Laboratories, Mayo Clinic
Classification: Likely pathogenic. Last evaluated: 2025-04-10. Review status: criteria provided, single submitter. Criteria: ACMG Guidelines, 2015. Collection method: clinical testing. Allele origin: germline. Observed: 1 variant allele.
Comment: PP3, PP4, PM2_supporting, PM3, PS3

Fulgent Genetics
Classification: Pathogenic for Glutaric aciduria, type 1. Last evaluated: 2024-04-23. Review status: criteria provided, single submitter. Criteria: ACMG Guidelines, 2015. Collection method: clinical testing. Allele origin: germline.

Blueprint Genetics
Classification: Likely pathogenic for GCDH-related disorders. Last evaluated: 2023-09-07. Review status: criteria provided, single submitter. Criteria: ACMG Guidelines, 2015. Collection method: clinical testing. Allele origin: germline. Affected: yes. Observed: 5 variant alleles.

Revvity Omics, Revvity
Classification: Pathogenic for Glutaric aciduria, type 1. Last evaluated: 2023-06-15. Review status: criteria provided, single submitter. Criteria: ACMG Guidelines, 2015. Collection method: clinical testing. Allele origin: germline.

Eurofins Ntd Llc (ga)
Classification: Likely pathogenic. Last evaluated: 2015-04-20. Review status: criteria provided, single submitter. Criteria: EGL Classification Definitions 2015. Collection method: clinical testing. Allele origin: germline. Observed: 1 variant allele, 1 heterozygote.

Counsyl
Classification: Likely pathogenic for Glutaric aciduria, type 1. Last evaluated: 2017-03-13. Review status: no assertion criteria provided. Collection method: clinical testing. Allele origin: unknown. Not counted in ClinVar's aggregate classification.

Literature cited by the submitters: PubMed 9600243 (cited by 3 submitters); PubMed 15505393 (cited by 3 submitters); PubMed 29034175 (cited by Natera, Inc.); PubMed 28411331 (cited by 3 submitters); PubMed 37020324 (cited by Mayo Clinic Laboratories, Mayo Clinic); PubMed 21031586 (cited by Counsyl).

NM_000159.4(GCDH):c.572T>C (p.Met191Thr)

Gene: GCDH (glutaryl-CoA dehydrogenase; plus strand). Cytogenetic location: 19p13.13.
Variant type: single nucleotide variant.
Coding change: c.572T>C on transcript NM_000159.4 (MANE Select); coding-DNA position 572, T replaced by C.
Protein change: p.Met191Thr; replaces methionine 191 with threonine.
Molecular consequence: missense variant. On other transcripts: non-coding transcript variant (2).
Genome position (GRCh38, 1-based): chr19:12,896,058, T>C. VCF-style: chr19-12896058-T-C. GRCh37 (hg19) VCF-style: chr19-13006872-T-C.
Other names: c.572T>C, p.Met191Thr (NM_013976.5); short protein forms M191T.
Identifiers: ClinVar variation 198396 (VCV000198396.33), dbSNP rs149120354, ClinGen allele CA275381.
Genomic context (GRCh38, chr19:12,896,058, plus strand): 5'-GGGAGCTCCTGGGCTGCTTCGGGCTCACAGAGCCCAACAGCGGAAGTGACCCCAGCAGCA[T>C]GGAGACCAGAGCCCACTACAACTCATCCAACAAGAGCTACACCCTCAATGGGACCAAGAC-3'
Protein context (NP_000150.1, residues 181-201): EPNSGSDPSS[Met191Thr]ETRAHYNSSN